The following is an entry in ClinVar:

ClinVar aggregate classification (germline): Uncertain significance (1 of 4 stars; one submission).

Conditions:
Cardiovascular phenotype. Identifiers: MedGen CN230736.

gnomAD v4.1: 4 of 1,613,764 alleles (0.00025%); highest among the groups gnomAD compares: South Asian, 0.0033%; no homozygotes.

Submission:

Ambry Genetics
Classification: Uncertain significance for Cardiovascular phenotype. Last evaluated: 2026-03-12. Review status: criteria provided, single submitter. Criteria: Ambry Variant Classification Scheme 2023. Collection method: clinical testing. Allele origin: germline.
Comment: The p.I120V variant (also known as c.358A>G), located in coding exon 3 of the SPRED1 gene, results from an A to G substitution at nucleotide position 358. The isoleucine at codon 120 is replaced by valine, an amino acid with highly similar properties. This amino acid position is conserved. In addition, this alteration is predicted to be tolerated by in silico analysis. Based on the available evidence, the clinical significance of this variant remains unclear.

NM_152594.3(SPRED1):c.358A>G (p.Ile120Val)

Gene: SPRED1 (sprouty related EVH1 domain containing 1; plus strand). Cytogenetic location: 15q14.
Variant type: single nucleotide variant.
Coding change: c.358A>G on transcript NM_152594.3 (MANE Select); coding-DNA position 358, A replaced by G.
Protein change: p.Ile120Val; replaces isoleucine 120 with valine.
Molecular consequence: missense variant.
Genome position (GRCh38, 1-based): chr15:38,322,391, A>G. VCF-style: chr15-38322391-A-G. GRCh37 (hg19) VCF-style: chr15-38614592-A-G.
Other names: short protein forms I120V.
Identifiers: ClinVar variation 4827635 (VCV004827635.1).
Genomic context (GRCh38, chr15:38,322,391, plus strand): 5'-GGTCTTACGTTTCAAAGTCCTGCTGATGCTAGGGCTTTTGATAGAGGTATCCGAAGAGCT[A>G]TAGAGGATATTTCTCAAGGTAGGTATTCTTGACTATTTTCTTAATTTATTTATCGGTTAT-3'
Protein context (NP_689807.1, residues 110-130): RAFDRGIRRA[Ile120Val]EDISQGCPES